The following is an entry in ClinVar:

ClinVar aggregate classification (germline): Uncertain significance (1 of 4 stars; one submission).

Conditions:
Developmental and epileptic encephalopathy, 30 (DEE30). Also called: Epileptic encephalopathy, early infantile, 30. Identifiers: MedGen C4225360, MONDO:0014595, OMIM 616341.

Submission:

Labcorp Genetics (formerly Invitae), Labcorp
Classification: Uncertain significance for Developmental and epileptic encephalopathy, 30. Last evaluated: 2024-05-31. Review status: criteria provided, single submitter. Criteria: Invitae Variant Classification Sherloc (09022015). Collection method: clinical testing. Allele origin: germline.
Comment: This sequence change replaces proline, which is neutral and non-polar, with leucine, which is neutral and non-polar, at codon 287 of the SIK1 protein (p.Pro287Leu). This variant is not present in population databases (gnomAD no frequency). This variant has not been reported in the literature in individuals affected with SIK1-related conditions. ClinVar contains an entry for this variant (Variation ID: 1370010). Advanced modeling of protein sequence and biophysical properties (such as structural, functional, and spatial information, amino acid conservation, physicochemical variation, residue mobility, and thermodynamic stability) performed at Invitae indicates that this missense variant is not expected to disrupt SIK1 protein function with a negative predictive value of 95%. This variant disrupts the p.Pro287 amino acid residue in SIK1. Other variant(s) that disrupt this residue have been determined to be pathogenic (PMID: 25839329, 27966542). This suggests that this residue is clinically significant, and that variants that disrupt this residue are likely to be disease-causing. In summary, the available evidence is currently insufficient to determine the role of this variant in disease. Therefore, it has been classified as a Variant of Uncertain Significance.

Literature cited by the submitters: PubMed 25839329; PubMed 27966542.

NM_173354.5(SIK1):c.860C>T (p.Pro287Leu)

Gene: SIK1 (salt inducible kinase 1; minus strand). Cytogenetic location: 21q22.3.
Variant type: single nucleotide variant.
Coding change: c.860C>T on transcript NM_173354.5 (MANE Select); coding-DNA position 860, C replaced by T.
Protein change: p.Pro287Leu; replaces proline 287 with leucine.
Molecular consequence: missense variant.
Genome position (GRCh38, 1-based): chr21:43,420,346, G>A on the plus strand (C>T on the coding strand, the complement: SIK1 is on the minus strand). VCF-style: chr21-43420346-G-A. GRCh37 (hg19) VCF-style: chr21-44840226-G-A.
Other names: short protein forms P287L.
Identifiers: ClinVar variation 1370010 (VCV001370010.6), dbSNP rs1430685368, ClinGen allele CA410609255.